The following is an entry in ClinVar:

ClinVar aggregate classification (germline): Uncertain significance (1 of 4 stars; one submission).

Allele frequency attached by ClinVar (database versions not stated): TOPMed below 0.00001; ESP Exome Variant Server 0.00008.

Submission:

Labcorp Genetics (formerly Invitae), Labcorp
Classification: Uncertain significance. Last evaluated: 2022-03-28. Review status: criteria provided, single submitter. Criteria: Invitae Variant Classification Sherloc (09022015). Collection method: clinical testing. Allele origin: germline.
Comment: In summary, the available evidence is currently insufficient to determine the role of this variant in disease. Therefore, it has been classified as a Variant of Uncertain Significance. Experimental studies and prediction algorithms are not available or were not evaluated, and the functional significance of this variant is currently unknown. This variant has not been reported in the literature in individuals affected with KIF21B-related conditions. This variant is not present in population databases (gnomAD no frequency). This sequence change creates a premature translational stop signal (p.Arg422*) in the KIF21B gene. It is expected to result in an absent or disrupted protein product. However, the current clinical and genetic evidence is not sufficient to establish whether loss-of-function variants in KIF21B cause disease.

NM_001252102.2(KIF21B):c.1264C>T (p.Arg422Ter)

Gene: KIF21B (kinesin family member 21B; minus strand). Cytogenetic location: 1q32.1.
Variant type: single nucleotide variant.
Coding change: c.1264C>T on transcript NM_001252102.2 (MANE Select); coding-DNA position 1264, C replaced by T.
Protein change: p.Arg422Ter; replaces arginine 422 with a stop codon.
Molecular consequence: nonsense.
Genome position (GRCh38, 1-based): chr1:201,002,299, G>A on the plus strand (C>T on the coding strand, the complement: KIF21B is on the minus strand). VCF-style: chr1-201002299-G-A. GRCh37 (hg19) VCF-style: chr1-200971427-G-A.
Other names: c.1264C>T, p.Arg422Ter (NM_001252100.2, NM_001252103.2, NM_017596.4); short protein forms R422*.
Identifiers: ClinVar variation 2118643 (VCV002118643.4), dbSNP rs140412174, ClinGen allele CA35966878.